The following is an entry in ClinVar:

NC_012920.1(MT-ATP8):m.8550A>G

Genes: MT-ATP8 (mitochondrially encoded ATP synthase 8; plus strand), MT-ATP6 (mitochondrially encoded ATP synthase 6; plus strand).
Variant type: single nucleotide variant.
Genome position: chrM-8550-A-G.
Identifiers: ClinVar variation 692896 (VCV000692896.1), dbSNP rs1603221581, ClinGen allele CA414796637.

ClinVar aggregate classification (germline): Uncertain significance (1 of 4 stars; one submission).

Conditions:
Leigh syndrome (NULS). Also called: Leigh's necrotizing encephalopathy; Leigh's disease; Leigh Syndrome (mtDNA deletion); Leigh Disease; Subacute necrotizing encephalopathy; Necrotizing encephalopathy infantile subacute of Leigh. Identifiers: Orphanet 506, MedGen C2931891, MONDO:0009723, OMIM 256000.

Submission:

Wong Mito Lab, Molecular and Human Genetics, Baylor College of Medicine
Classification: Uncertain significance for Leigh syndrome. Last evaluated: 2019-10-17. Review status: criteria provided, single submitter. Criteria: Modified ACMG Guidelines (Unpublished). Collection method: clinical testing. Allele origin: germline.
Comment: The NC_012920.1:m.8550A>G (YP_003024030.1:p.His62Arg) variant in MTATP8 gene is interpretated to be a Uncertain Significance variant based on the modified ACMG guidelines (unpublished). This variant meets the following evidence codes: PP6, PP7